The following is an entry in ClinVar:

NC_000012.11:g.(?_57641889)_(57642001_?)del

Gene: STAC3 (SH3 and cysteine rich domain 3; minus strand). Cytogenetic location: 12q13.3.
Variant type: Deletion.
Identifiers: ClinVar variation 3244314 (VCV003244314.1).

ClinVar aggregate classification (germline): Pathogenic (1 of 4 stars; one submission).

Conditions:
Bailey-Bloch congenital myopathy (CMYO13). Also called: Native American myopathy; STAC3 disorder; Congenital myopathy 13. Identifiers: Orphanet 168572, MedGen C1850625, MONDO:0009722, OMIM 255995.

Submission:

Labcorp Genetics (formerly Invitae), Labcorp
Classification: Pathogenic for Bailey-Bloch congenital myopathy. Last evaluated: 2023-12-03. Review status: criteria provided, single submitter. Criteria: Invitae Variant Classification Sherloc (09022015). Collection method: clinical testing. Allele origin: unknown.
Comment: This variant is a gross deletion of the genomic region encompassing exon(s) 5 of the STAC3 gene. This deletion is out-of-frame, and is expected to create a premature termination codon and result in an absent or disrupted protein product. Loss-of-function variants in STAC3 are known to be pathogenic (PMID: 28411587, 28777491). This variant has not been reported in the literature in individuals affected with STAC3-related conditions. For these reasons, this variant has been classified as Pathogenic.

Literature cited by the submitters: PubMed 28411587; PubMed 28777491.